The following is an entry in ClinVar:

ClinVar aggregate classification (germline): Uncertain significance (1 of 4 stars; one submission).

gnomAD v4.1: 1 of 1,614,146 alleles (0.000062%); highest among the groups gnomAD compares: Non-Finnish European, 0.000085%; no homozygotes.

Submission:

Dasa
Classification: Uncertain significance. Last evaluated: 2025-09-20. Review status: criteria provided, single submitter. Criteria: DASA Assertion Criteria. Collection method: clinical testing. Allele origin: germline.
Comment: NM_001256012.3(MYH10):c.2672A>T (p.Glu891Val) is a missense variant that results in the substitution of glutamic acid with valine. Published studies describe this variant in association with related phenotype (PMID: 35980381). Also, this variant is rare in population databases. The currently available literature and clinical evidence are not sufficient to establish a definitive association between this variant and the reported condition. Therefore, this variant is classified as a variant of uncertain significance.

Literature cited by the submitters: PubMed 35980381.

NM_001256012.3(MYH10):c.2672A>T (p.Glu891Val)

Genes: MYH10 (myosin heavy chain 10; minus strand), LOC126862486 (BRD4-independent group 4 enhancer GRCh37_chr17:8416542-8417741; plus strand). Cytogenetic location: 17p13.1.
Variant type: single nucleotide variant.
Coding change: c.2672A>T on transcript NM_001256012.3 (MANE Select); coding-DNA position 2672, A replaced by T.
Protein change: p.Glu891Val; replaces glutamic acid 891 with valine.
Molecular consequence: missense variant.
Genome position (GRCh38, 1-based): chr17:8,513,611, T>A on the plus strand (A>T on the coding strand, the complement: MYH10 is on the minus strand). VCF-style: chr17-8513611-T-A. GRCh37 (hg19) VCF-style: chr17-8416929-T-A.
Other names: c.2606A>T, p.Glu869Val (NM_001256095.2); c.2609A>T, p.Glu870Val (NM_001375266.1); c.2579A>T, p.Glu860Val (NM_005964.5); short protein forms E860V, E869V, E870V, E891V.
Identifiers: ClinVar variation 4852712 (VCV004852712.2).